The following is an entry in ClinVar:

ClinVar aggregate classification (germline): Likely pathogenic (3 of 4 stars; one submission).

Conditions:
Glanzmann thrombasthenia. Also called: PLATELET GLYCOPROTEIN IIb-IIIa DEFICIENCY; Thrombasthenia; Glanzmann's thrombasthenia; BLEEDING DISORDER, PLATELET-TYPE, 2; THROMBASTHENIA OF GLANZMANN AND NAEGELI. Identifiers: Orphanet 849, MedGen C0040015, MONDO:0100326.

Submission:

ClinGen Platelet Disorders Variant Curation Expert Panel, ClinGen
Classification: Likely pathogenic for Glanzmann thrombasthenia. Last evaluated: 2024-02-20. Review status: reviewed by expert panel. Criteria: ClinGen Platelet ACMG Specifications v2-1. Collection method: curation. Allele origin: germline. Inheritance: Autosomal recessive inheritance.
Comment: The c.2828C>T variant in ITGA2B occurs as a cryptic splice site. It is observed to cause skipping of biologically-relevant-exon 28/30, resulting in an in-frame deletion (removes 34 amino acids). However, it is predicted to escape nonsense mediated decay and remove <10% of the protein. This prediction is confirmed by exontrap analysis (PVS1_Moderate; PMID: 17018384). At least one patient (Proband in PMID: 17018384) with this variant displayed mucocutaneous bleeding and impaired aggregation with all agonists except ristocetin, which is highly specific for Glanzmann thrombasthenia. Additionally, reduction in αIIbβ3 function was shown by loss of binding to fibrinogen as measured by functional flow cytometry. ITGA2B and ITGB3 were not reported to be sequenced across all exons and intron/exon boundaries (PP4_moderate). This variant is absent from gnomAD v2.1.1 (PM2_Supporting). Surface expression of αIIbβ3 measured by flow cytometry in CHO cells transiently co-transfected with the αIIb variant and wild type β3 showed decreased expression at 24% (<25%) WT levels, indicating that this variant impacts protein function (PMID: 17018384)(PS3_moderate). In summary, this variant meets the criteria to be classified as likely pathogenic for autosomal recessive Glanzmann Thrombasthenia based on the ACMG/AMP criteria applied, as specified by the ClinGen PD VCEP: PVS1_moderate, PP4_moderate, PM2_supporting, PS3_moderate. (VCEP specifications version 2; date of approval xx/xx/xxxx)

NM_000419.5(ITGA2B):c.2828C>T (p.Pro943Leu)

Gene: ITGA2B (integrin subunit alpha 2b; minus strand). Cytogenetic location: 17q21.31.
Variant type: single nucleotide variant.
Coding change: c.2828C>T on transcript NM_000419.5 (MANE Select); coding-DNA position 2828, C replaced by T.
Protein change: p.Pro943Leu; replaces proline 943 with leucine.
Molecular consequence: missense variant.
Genome position (GRCh38, 1-based): chr17:44,375,011, G>A on the plus strand (C>T on the coding strand, the complement: ITGA2B is on the minus strand). VCF-style: chr17-44375011-G-A. GRCh37 (hg19) VCF-style: chr17-42452379-G-A.
Other names: NM_000419.5:c.2828C>T; short protein forms P943L.
Identifiers: ClinVar variation 3242397 (VCV003242397.1), dbSNP rs2510073184.